The following is an entry in ClinVar:

NM_001130438.3(SPTAN1):c.1527C>A (p.His509Gln)

Gene: SPTAN1 (spectrin alpha, non-erythrocytic 1; plus strand). Cytogenetic location: 9q34.11.
Variant type: single nucleotide variant.
Coding change: c.1527C>A on transcript NM_001130438.3 (MANE Select); coding-DNA position 1527, C replaced by A.
Protein change: p.His509Gln; replaces histidine 509 with glutamine.
Molecular consequence: missense variant.
Genome position (GRCh38, 1-based): chr9:128,581,847, C>A. VCF-style: chr9-128581847-C-A. GRCh37 (hg19) VCF-style: chr9-131344126-C-A.
Other names: c.1527C>A, p.His509Gln (NM_001195532.2, NM_001363759.2, NM_001363765.2 and 10 more transcripts); c.1563C>A, p.His521Gln (NM_001375312.2, NM_001375318.1, NM_001438440.1); short protein forms H509Q, H521Q.
Identifiers: ClinVar variation 4875415 (VCV004875415.2).

ClinVar aggregate classification (germline): Uncertain significance (1 of 4 stars; one submission).

Submission:

CeGaT Center for Human Genetics Tuebingen
Classification: Uncertain significance. Last evaluated: 2026-06-01. Review status: criteria provided, single submitter. Criteria: CeGaT Center For Human Genetics Tuebingen Variant Classification Criteria Version 2. Collection method: clinical testing. Allele origin: germline. Affected: yes. Observed: 1 variant allele.
Comment: SPTAN1: PM2